The following is an entry in ClinVar:

ClinVar aggregate classification (germline): Uncertain significance (1 of 4 stars; one submission).

Allele frequency attached by ClinVar (database versions not stated): gnomAD exomes below 0.00001; gnomAD 0.00001 and 0.00002; ExAC 0.00003; 1000 Genomes Project 30x 0.00016; 1000 Genomes Project 0.00020.
gnomAD v4.1: 6 of 1,601,492 alleles (0.00037%); highest among the groups gnomAD compares: African/African-American, 0.004%; no homozygotes.

Submission:

Labcorp Genetics (formerly Invitae), Labcorp
Classification: Uncertain significance. Last evaluated: 2021-12-02. Review status: criteria provided, single submitter. Criteria: Invitae Variant Classification Sherloc (09022015). Collection method: clinical testing. Allele origin: germline.
Comment: This sequence change replaces arginine with histidine at codon 802 of the VPS11 protein (p.Arg802His). The arginine residue is moderately conserved and there is a small physicochemical difference between arginine and histidine. The frequency data for this variant in the population databases is considered unreliable, as metrics indicate poor data quality at this position in the gnomAD database. This variant has not been reported in the literature in individuals affected with VPS11-related conditions. Experimental studies and prediction algorithms are not available or were not evaluated, and the functional significance of this variant is currently unknown. In summary, the available evidence is currently insufficient to determine the role of this variant in disease. Therefore, it has been classified as a Variant of Uncertain Significance.

NM_021729.6(VPS11):c.2405G>A (p.Arg802His)

Gene: VPS11 (VPS11 core subunit of CORVET and HOPS complexes; plus strand). Cytogenetic location: 11q23.3.
Variant type: single nucleotide variant.
Coding change: c.2405G>A on transcript NM_021729.6 (MANE Select); coding-DNA position 2405, G replaced by A.
Protein change: p.Arg802His; replaces arginine 802 with histidine.
Molecular consequence: missense variant. On other transcripts: non-coding transcript variant (8).
Genome position (GRCh38, 1-based): chr11:119,079,267, G>A. VCF-style: chr11-119079267-G-A. GRCh37 (hg19) VCF-style: chr11-118949977-G-A.
Other names: c.2375G>A, p.Arg792His (NM_001290185.2); c.2417G>A, p.Arg806His (NM_001378218.1, NM_001378219.1); c.2390G>A, p.Arg797His (NM_001378220.1); c.2387G>A, p.Arg796His (NM_001378221.1); short protein forms R792H, R796H, R797H, R806H, R802H.
Identifiers: ClinVar variation 1510555 (VCV001510555.3), dbSNP rs562856072, ClinGen allele CA6313696.
Genomic context (GRCh38, chr11:119,079,267, plus strand): 5'-AGAGCCAGCAGATTGCACAGGATGAGCTGCGGGTGCGGCGGTACCGAGAGGAGACCACCC[G>A]TATCCGCCAGGAGATCCAAGAGCTCAAGGCCAGGTACCCGGGGCATGGATATGTGGAGGA-3'
Protein context (NP_068375.3, residues 792-812): RVRRYREETT[Arg802His]IRQEIQELKA